The following is an entry in ClinVar:

ClinVar aggregate classification (germline): Uncertain significance (1 of 4 stars; one submission).

Conditions:
Alagille syndrome due to a JAG1 point mutation. Also called: JAG1-Related Alagille Syndrome; HEPATIC DUCTULAR HYPOPLASIA, SYNDROMATIC; Alagille Syndrome 1. Identifiers: Orphanet 261619, Orphanet 52, MedGen C1956125, MONDO:0016862, OMIM 118450.

Allele frequency attached by ClinVar (database versions not stated): gnomAD exomes 0.00001.
gnomAD v4.1: 3 of 1,614,240 alleles (0.00019%); no homozygotes.

Submission:

Labcorp Genetics (formerly Invitae), Labcorp
Classification: Uncertain significance for Alagille syndrome due to a JAG1 point mutation. Last evaluated: 2022-05-27. Review status: criteria provided, single submitter. Criteria: Invitae Variant Classification Sherloc (09022015). Collection method: clinical testing. Allele origin: germline.
Comment: This variant has not been reported in the literature in individuals affected with JAG1-related conditions. This variant is present in population databases (no rsID available, gnomAD 0.03%). This sequence change replaces tyrosine, which is neutral and polar, with aspartic acid, which is acidic and polar, at codon 190 of the JAG1 protein (p.Tyr190Asp). ClinVar contains an entry for this variant (Variation ID: 1025447). In summary, the available evidence is currently insufficient to determine the role of this variant in disease. Therefore, it has been classified as a Variant of Uncertain Significance. Advanced modeling of protein sequence and biophysical properties (such as structural, functional, and spatial information, amino acid conservation, physicochemical variation, residue mobility, and thermodynamic stability) performed at Invitae indicates that this missense variant is not expected to disrupt JAG1 protein function.

NM_000214.3(JAG1):c.568T>G (p.Tyr190Asp)

Gene: JAG1 (jagged canonical Notch ligand 1; minus strand). Cytogenetic location: 20p12.2.
Variant type: single nucleotide variant.
Coding change: c.568T>G on transcript NM_000214.3 (MANE Select); coding-DNA position 568, T replaced by G.
Protein change: p.Tyr190Asp; replaces tyrosine 190 with aspartic acid.
Molecular consequence: missense variant.
Genome position (GRCh38, 1-based): chr20:10,658,594, A>C on the plus strand (T>G on the coding strand, the complement: JAG1 is on the minus strand). VCF-style: chr20-10658594-A-C. GRCh37 (hg19) VCF-style: chr20-10639242-A-C.
Other names: short protein forms Y190D.
Identifiers: ClinVar variation 1025447 (VCV001025447.8), dbSNP rs1242543124, ClinGen allele CA408240239.
Genomic context (GRCh38, chr20:10,658,594, plus strand): 5'-AGTGTCCAAAGAAGTCATCTCTGGGGCGGCAGAACTTATTGCAGCCAAAGCCATAGTAGT[A>C]GTCATCACAGGTCACGCGGATCTGATACTCAAAGTGGGCAACGCCCGTGTTCTGCTTCAG-3'
Protein context (NP_000205.1, residues 180-200): EYQIRVTCDD[Tyr190Asp]YYGFGCNKFC